The following is an entry in ClinVar:

NM_000441.2(SLC26A4):c.1262A>G (p.Gln421Arg)

Gene: SLC26A4 (solute carrier family 26 member 4; plus strand). Cytogenetic location: 7q22.3.
Variant type: single nucleotide variant.
Coding change: c.1262A>G on transcript NM_000441.2 (MANE Select); coding-DNA position 1262, A replaced by G.
Protein change: p.Gln421Arg; replaces glutamine 421 with arginine.
Molecular consequence: missense variant.
Genome position (GRCh38, 1-based): chr7:107,690,236, A>G. VCF-style: chr7-107690236-A-G. GRCh37 (hg19) VCF-style: chr7-107330681-A-G.
Other names: short protein forms Q421R.
Identifiers: ClinVar variation 430229 (VCV000430229.14), dbSNP rs201660407, ClinGen allele CA4432734.

ClinVar aggregate classification (germline): Uncertain significance. Review status: reviewed by expert panel (3 of 4 stars). 8 submissions from 8 submitters: Uncertain significance (1). 7 of the submissions do not count toward it. Last evaluated 2023-06-21.

Conditions:
Pendred syndrome (PDS). Also called: Pendred Syndrome (PDS); DEAFNESS WITH GOITER; GOITER-DEAFNESS SYNDROME; HYPOTHYROIDISM, CONGENITAL, DUE TO DYSHORMONOGENESIS, 2B; THYROID DYSHORMONOGENESIS 2B; THYROID HORMONOGENESIS, GENETIC DEFECT IN, 2B. Identifiers: Orphanet 705, MedGen C0271829, MONDO:0010134, OMIM 274600.
Autosomal recessive nonsyndromic hearing loss 4 (DFNB4). Also called: DEAFNESS, AUTOSOMAL RECESSIVE 4, WITH ENLARGED VESTIBULAR AQUEDUCT, DIGENIC; Nonsyndromic enlarged vestibular aqueduct (NSEVA); Enlarged vestibular aqueduct, digenic; Deafness, autosomal recessive 4, with enlarged vestibular aqueduct; FOXI1-Related Pendred Syndrome; KCNJ10-Related Pendred Syndrome. Identifiers: Orphanet 90636, MedGen C3538946, MONDO:0010933, OMIM 600791.

Allele frequency attached by ClinVar (database versions not stated): ExAC 0.00001; TOPMed 0.00003; ESP Exome Variant Server 0.00008.

Submissions (8):

ClinGen Hearing Loss Variant Curation Expert Panel
Classification: Uncertain significance for Pendred syndrome. Last evaluated: 2023-06-21. Review status: reviewed by expert panel. Criteria: Clingen Hl Acmg Specifications Cdh23 Coch Gjb2 Kcnq4 Myo6 Myo7a Slc26a4 Tecta Ush2a V2. Collection method: curation. Allele origin: germline. Inheritance: Autosomal recessive inheritance.
Comment: The c.1262A>G variant in SLC26A4 is a missense variant predicted to cause substitution of glutamine by arginine at amino acid 421 (p.Gln421Arg). The highest population minor allele frequency in gnomAD v2.1.1 is 0.003% (3/113084) in the European (non-Finnish) population, which is lower than the ClinGen Hearing Loss VCEP threshold (<0.007%) for PM2_Supporting, meeting this criterion (PM2_Supporting). The computational predictor REVEL gives a score of 0.954, which is above the threshold of 0.7, evidence that correlates with impact to SLC26A4 function (PP3). Another missense variant, c.1262A>C (p.Gln421Pro), at the same codon has been classified as likely pathogenic for autosomal recessive Pendred syndrome (PM5; PMID: 17718863, 23918157, 24224479, 28964290). The p.Gln421Arg variant has been reported in five individuals with hearing loss and inner ear abnormalities, which is highly specific for Pendred syndrome (PP4). Two individuals did not have a variant on the second allele identified (PMIDs: 23965030, 14679580). Two individuals were compound heterozygous for the CEVA haplotype, and one individual was compound heterozygous for a variant of uncertain significance, c.284G>A p.Gly95Glu. Phase for these individuals was unknown (0 PM3 points, PMID: 36833263). This variant was re-reviewed on 6.27.2023, and PM2 was downgraded to PM2_Supporting following the most recent specification criteria. Because no contradictory evidence was added, this variant was retained at likely pathogenic for autosomal recessive Pendrome syndrome based on the ACMG/AMP criteria applied, as specified by the ClinGen Hearing Loss VCEP: PM5, PM2_Supporting, PP3, PP4. (VCEP specifications version 2; 06.21.2023).

Women's Health and Genetics/Laboratory Corporation of America, LabCorp
Classification: Pathogenic for Pendred syndrome. Last evaluated: 2026-03-05. Review status: criteria provided, single submitter. Criteria: LabCorp Variant Classification Summary - May 2015. Collection method: clinical testing. Allele origin: germline. Not counted in ClinVar's aggregate classification.
Comment: Variant summary: SLC26A4 c.1262A>G (p.Gln421Arg) results in a conservative amino acid change located in the SLC26A/SulP transporter domain (IPR011547) of the encoded protein sequence. Algorithms developed to predict the effect of missense changes on protein structure and function are either unavailable or do not agree on the potential impact of this missense change. Several computational tools predict a significant impact on normal splicing: Four predict the variant weakens a 5' donor site. However, these predictions have yet to be confirmed by functional studies (Lee_2019). The variant allele was found at a frequency of 1.2e-05 in 250686 control chromosomes. c.1262A>G has been observed in multiple individuals affected with Pendred Syndrome, dilated vestibular aqueduct or Mondini dysplasia and hearing loss (examples, Prasad_2004, Shatokhina_2022, Baldyga_2023, Hao_2024). Multiple Likely Pathogenic or Pathogenic missense variants affecting the same amino acid residue (p.Q421L, p.Q421K, p.Q421P) have been reported. These data indicate that the variant is likely to be associated with disease. To our knowledge, no experimental evidence demonstrating an impact on protein function has been reported. The following publications have been ascertained in the context of this evaluation (PMID: 36833263, 39443691, 31033086, 14679580, 36555390). ClinVar contains an entry for this variant (Variation ID: 430229). Based on the evidence outlined above, the variant was classified as pathogenic.

Baylor Genetics
Classification: Likely pathogenic for Autosomal recessive nonsyndromic hearing loss 4. Last evaluated: 2024-03-14. Review status: criteria provided, single submitter. Criteria: ACMG Guidelines, 2015. Collection method: clinical testing. Allele origin: unknown. Not counted in ClinVar's aggregate classification.

The Shared Resource Centre "Genome", Research Centre for Medical Genetics
Classification: Pathogenic for Autosomal recessive nonsyndromic hearing loss 4. Last evaluated: 2022-11-10. Review status: criteria provided, single submitter. Criteria: ACMG Guidelines, 2015. Collection method: clinical testing. Allele origin: germline. Affected: yes. Observed: 1 variant allele. Not counted in ClinVar's aggregate classification.

Molecular Diagnostics Lab, Nemours Children's Health, Delaware
Classification: Uncertain significance for Pendred syndrome. Last evaluated: 2020-05-07. Review status: criteria provided, single submitter. Criteria: ACMG Guidelines, 2015. Collection method: clinical testing. Allele origin: unknown. Inheritance: Autosomal recessive inheritance. Affected: yes. Observed: 1 variant allele. Not counted in ClinVar's aggregate classification.

GeneDx
Classification: Likely pathogenic. Last evaluated: 2018-12-11. Review status: criteria provided, single submitter. Criteria: GeneDx Variant Classification (06012015). Collection method: clinical testing. Allele origin: germline. Affected: yes. Not counted in ClinVar's aggregate classification.
Comment: The Q421R variant in the SLC26A4 gene has been reported as a single heterozygous variant in an individual with hearing loss (Landa et al., 2013). It was also identified in another individual with a reported clinical diagnosis of Pendred syndrome; it was not specified whether this individual harbored a second SLC26A4 variant (Prasad et al., 2004). The Q421R variant was not observed at a significant frequency in large population cohorts (Lek et al., 2016). The Q421R variant is a semi-conservative amino acid substitution, which may impact secondary protein structure as these residues differ in some properties. In silico analysis, which includes protein predictors and evolutionary conservation, supports a deleterious effect. Other missense variants at the same residue (Q421K, Q421P, Q421L) and missense variants nearby residues (T420I, V422I, V422D, G424D, I426N ) have been reported in the Human Gene Mutation Database in association with SLC26A4-related disorders (Stenson et al., 2014), supporting the functional importance of this residue and this region of the protein. Therefore, we classify this variant as likely pathogenic.

Natera, Inc.
Classification: Likely pathogenic for Pendred syndrome. Last evaluated: 2020-09-16. Review status: no assertion criteria provided. Collection method: clinical testing. Allele origin: germline. Not counted in ClinVar's aggregate classification.

Counsyl
Classification: Uncertain significance for Pendred syndrome. Last evaluated: 2018-03-07. Review status: no assertion criteria provided. Collection method: clinical testing. Allele origin: unknown. Not counted in ClinVar's aggregate classification.

Literature cited by the submitters: PubMed 14679580 (cited by Women's Health and Genetics/Laboratory Corporation of America, LabCorp and Counsyl); PubMed 31033086 (cited by Women's Health and Genetics/Laboratory Corporation of America, LabCorp); PubMed 36833263 (cited by Women's Health and Genetics/Laboratory Corporation of America, LabCorp); PubMed 36555390 (cited by Women's Health and Genetics/Laboratory Corporation of America, LabCorp); PubMed 39443691 (cited by Women's Health and Genetics/Laboratory Corporation of America, LabCorp); PubMed 23965030 (cited by Counsyl).